The following is an entry in ClinVar:

ClinVar aggregate classification (germline): Likely benign (0 of 4 stars; one submission).

Conditions:
MRPL3-related disorder. Also called: MRPL3-related condition.

Allele frequency attached by ClinVar (database versions not stated): gnomAD exomes below 0.00001; ExAC 0.00002.

Submission:

PreventionGenetics, part of Exact Sciences
Classification: Likely benign for MRPL3-related condition. Last evaluated: 2020-02-17. Review status: no assertion criteria provided. Collection method: clinical testing. Allele origin: germline.
Comment: This variant is classified as likely benign based on ACMG/AMP sequence variant interpretation guidelines (Richards et al. 2015 PMID: 25741868, with internal and published modifications).

NM_007208.4(MRPL3):c.804A>G (p.Glu268=)

Gene: MRPL3 (mitochondrial ribosomal protein L3; minus strand). Cytogenetic location: 3q22.1.
Variant type: single nucleotide variant.
Coding change: c.804A>G on transcript NM_007208.4 (MANE Select); coding-DNA position 804, A replaced by G.
Protein change: p.Glu268=; no amino-acid change (glutamic acid 268 retained).
Molecular consequence: synonymous variant.
Genome position (GRCh38, 1-based): chr3:131,469,708, T>C on the plus strand (A>G on the coding strand, the complement: MRPL3 is on the minus strand). VCF-style: chr3-131469708-T-C. GRCh37 (hg19) VCF-style: chr3-131188552-T-C.
Identifiers: ClinVar variation 3052105 (VCV003052105.2), dbSNP rs778902830, ClinGen allele CA2616936.